The following is an entry in ClinVar:

ClinVar aggregate classification (germline): Uncertain significance. Review status: criteria provided, multiple submitters, no conflicts (2 of 4 stars). 2 submissions from 2 submitters: Uncertain significance (2). Last evaluated 2024-03-07.

Conditions:
Bartter disease type 1. Also called: Bartter syndrome, type 1, antenatal; Bartter Syndrome type 1; HYPERPROSTAGLANDIN E SYNDROME 1; HYPOKALEMIC ALKALOSIS WITH HYPERCALCIURIA 1, ANTENATAL. Identifiers: Orphanet 112, Orphanet 620217, MedGen C1866495, MONDO:0100344, OMIM 601678, MONDO:0011127.

Allele frequency attached by ClinVar (database versions not stated): ExAC 0.00001; gnomAD 0.00001 and 0.00002; gnomAD exomes 0.00002; TOPMed 0.00005.
gnomAD v4.1: 30 of 1,612,078 alleles (0.0019%); highest among the groups gnomAD compares: Admixed American, 0.0067%; no homozygotes.

Submissions (2):

Fulgent Genetics
Classification: Uncertain significance for Bartter disease type 1. Last evaluated: 2024-03-07. Review status: criteria provided, single submitter. Criteria: ACMG Guidelines, 2015. Collection method: clinical testing. Allele origin: germline.

Labcorp Genetics (formerly Invitae), Labcorp
Classification: Uncertain significance. Last evaluated: 2022-03-07. Review status: criteria provided, single submitter. Criteria: Invitae Variant Classification Sherloc (09022015). Collection method: clinical testing. Allele origin: germline.
Comment: This sequence change replaces glutamine, which is neutral and polar, with leucine, which is neutral and non-polar, at codon 836 of the SLC12A1 protein (p.Gln836Leu). This variant is present in population databases (rs781250971, gnomAD 0.004%). This variant has not been reported in the literature in individuals affected with SLC12A1-related conditions. Algorithms developed to predict the effect of missense changes on protein structure and function (SIFT, PolyPhen-2, Align-GVGD) all suggest that this variant is likely to be tolerated. In summary, the available evidence is currently insufficient to determine the role of this variant in disease. Therefore, it has been classified as a Variant of Uncertain Significance.

NM_000338.3(SLC12A1):c.2507A>T (p.Gln836Leu)

Gene: SLC12A1 (solute carrier family 12 member 1; plus strand). Cytogenetic location: 15q21.1.
Variant type: single nucleotide variant.
Coding change: c.2507A>T on transcript NM_000338.3 (MANE Select); coding-DNA position 2507, A replaced by T.
Protein change: p.Gln836Leu; replaces glutamine 836 with leucine.
Molecular consequence: missense variant.
Genome position (GRCh38, 1-based): chr15:48,285,127, A>T. VCF-style: chr15-48285127-A-T. GRCh37 (hg19) VCF-style: chr15-48577324-A-T.
Other names: c.2507A>T, p.Gln836Leu (NM_001184832.2, NM_001384136.1); short protein forms Q836L.
Identifiers: ClinVar variation 1400238 (VCV001400238.5), dbSNP rs781250971, ClinGen allele CA7547430.